The following is an entry in ClinVar:

ClinVar aggregate classification (germline): Uncertain significance (1 of 4 stars; one submission).

Submission:

CeGaT Center for Human Genetics Tuebingen
Classification: Uncertain significance. Last evaluated: 2022-07-01. Review status: criteria provided, single submitter. Criteria: CeGaT Center For Human Genetics Tuebingen Variant Classification Criteria Version 2. Collection method: clinical testing. Allele origin: germline. Affected: yes. Observed: 1 variant allele.
Comment: AEBP1: PM2

NM_001129.5(AEBP1):c.1895G>A (p.Arg632Gln)

Gene: AEBP1 (AE binding protein 1; plus strand). Cytogenetic location: 7p13.
Variant type: single nucleotide variant.
Coding change: c.1895G>A on transcript NM_001129.5 (MANE Select); coding-DNA position 1895, G replaced by A.
Protein change: p.Arg632Gln; replaces arginine 632 with glutamine.
Molecular consequence: missense variant.
Genome position (GRCh38, 1-based): chr7:44,111,908, G>A. VCF-style: chr7-44111908-G-A. GRCh37 (hg19) VCF-style: chr7-44151507-G-A.
Other names: short protein forms R632Q.
Identifiers: ClinVar variation 1701523 (VCV001701523.31), dbSNP rs770223691, ClinGen allele CA4238049.